The following is an entry in ClinVar:

NM_025137.4(SPG11):c.5671G>A (p.Val1891Met)

Gene: SPG11 (SPG11 vesicle trafficking associated, spatacsin; minus strand). Cytogenetic location: 15q21.1.
Variant type: single nucleotide variant.
Coding change: c.5671G>A on transcript NM_025137.4 (MANE Select); coding-DNA position 5671, G replaced by A.
Protein change: p.Val1891Met; replaces valine 1891 with methionine.
Molecular consequence: missense variant.
Genome position (GRCh38, 1-based): chr15:44,584,009, C>T on the plus strand (G>A on the coding strand, the complement: SPG11 is on the minus strand). VCF-style: chr15-44584009-C-T. GRCh37 (hg19) VCF-style: chr15-44876207-C-T.
Other names: c.5671G>A, p.Val1891Met (NM_001160227.2); short protein forms V1891M.
Identifiers: ClinVar variation 847223 (VCV000847223.7), dbSNP rs1483911645, ClinGen allele CA392221705.

ClinVar aggregate classification (germline): Uncertain significance (1 of 4 stars; one submission).

Conditions:
Hereditary spastic paraplegia 11. Also called: Nakamura Osame syndrome; Autosomal recessive hereditary spastic paraplegia, mental impairment, and thin corpus callosum; SPASTIC PARAPLEGIA, AUTOSOMAL RECESSIVE, COMPLICATED, WITH THIN CORPUS CALLOSUM; SPASTIC PARAPLEGIA, AUTOSOMAL RECESSIVE, WITH MENTAL IMPAIRMENT AND THIN CORPUS CALLOSUM; Spastic paraplegia, mental retardation and thin corpus callosum; Spastic Paraplegia 11. Identifiers: Orphanet 2822, MedGen C1858479, MONDO:0011445, OMIM 604360.

Allele frequency attached by ClinVar (database versions not stated): gnomAD 0.00001; gnomAD exomes 0.00001; TOPMed 0.00001.
gnomAD v4.1: 11 of 1,614,116 alleles (0.00068%); highest among the groups gnomAD compares: Non-Finnish European, 0.00093%; no homozygotes.

Submission:

Labcorp Genetics (formerly Invitae), Labcorp
Classification: Uncertain significance for Hereditary spastic paraplegia 11. Last evaluated: 2021-08-28. Review status: criteria provided, single submitter. Criteria: Invitae Variant Classification Sherloc (09022015). Collection method: clinical testing. Allele origin: germline.
Comment: This sequence change replaces valine with methionine at codon 1891 of the SPG11 protein (p.Val1891Met). The valine residue is highly conserved and there is a small physicochemical difference between valine and methionine. This variant is not present in population databases (ExAC no frequency). This variant has not been reported in the literature in individuals affected with SPG11-related conditions. Algorithms developed to predict the effect of missense changes on protein structure and function are either unavailable or do not agree on the potential impact of this missense change (SIFT: "Deleterious"; PolyPhen-2: "Probably Damaging"; Align-GVGD: "Class C0"). In summary, the available evidence is currently insufficient to determine the role of this variant in disease. Therefore, it has been classified as a Variant of Uncertain Significance.